The following is an entry in ClinVar:

ClinVar aggregate classification (germline): Conflicting classifications of pathogenicity. Review status: criteria provided, conflicting classifications (1 of 4 stars). 3 submissions from 3 submitters: Uncertain significance (2); Likely benign (1). Last evaluated 2026-07-02.

Conditions:
Nephronophthisis. Also called: Juvenile Nephronophthisis. Identifiers: Orphanet 655, MedGen C0687120, MONDO:0019005, HP:0000090.
Jeune thoracic dystrophy. Also called: Jeune syndrome; Infantile thoracic dystrophy; Thoracic pelvic phalangeal dystrophy; Jeune's syndrome; Chondroectodermal dysplasia-like syndrome; Short-rib thoracic dysplasia. Identifiers: Orphanet 474, MedGen C0265275, MONDO:0018770.
TTC21B-related disorder. Also called: TTC21B-related disorders; TTC21B-related condition.

Allele frequency attached by ClinVar (database versions not stated): gnomAD 0.00004 and 0.00005; TOPMed 0.00005.
gnomAD v4.1: 24 of 1,613,594 alleles (0.0015%); highest among the groups gnomAD compares: African/African-American, 0.02%; no homozygotes.

Submissions (3):

PreventionGenetics, part of Exact Sciences
Classification: Uncertain significance for TTC21B-related condition. Last evaluated: 2026-07-02. Review status: criteria provided, single submitter. Criteria: ACMG Guidelines, 2015. Collection method: clinical testing. Allele origin: germline.
Comment: The TTC21B c.1427G>A variant is predicted to result in the amino acid substitution p.Arg476His. To our knowledge, this variant has not been reported in the literature. This variant is reported in 0.024% of alleles in individuals of African descent in gnomAD. At this time, the clinical significance of this variant is uncertain due to the absence of conclusive functional and genetic evidence.

Labcorp Genetics (formerly Invitae), Labcorp
Classification: Likely benign for Jeune thoracic dystrophy; Nephronophthisis. Last evaluated: 2026-01-27. Review status: criteria provided, single submitter. Criteria: Invitae Variant Classification Sherloc (09022015). Collection method: clinical testing. Allele origin: germline.

Dasa
Classification: Uncertain significance. Last evaluated: 2025-04-11. Review status: criteria provided, single submitter. Criteria: DASA Assertion Criteria. Collection method: clinical testing. Allele origin: germline.
Comment: NM_024753.5(TTC21B):c.1427G>A (p.Arg476His) is a missense variant that results in the substitution of arginine with histidine. This variant is rare in population databases. Computational prediction algorithms are consistent with a benign effect. The currently available literature and clinical evidence are not sufficient to establish a definitive association between this variant and the reported condition. Therefore, this variant is classified as a variant of uncertain significance.

NM_024753.5(TTC21B):c.1427G>A (p.Arg476His)

Gene: TTC21B (tetratricopeptide repeat domain 21B; minus strand). Cytogenetic location: 2q24.3.
Variant type: single nucleotide variant.
Coding change: c.1427G>A on transcript NM_024753.5 (MANE Select); coding-DNA position 1427, G replaced by A.
Protein change: p.Arg476His; replaces arginine 476 with histidine.
Molecular consequence: missense variant.
Genome position (GRCh38, 1-based): chr2:165,924,638, C>T on the plus strand (G>A on the coding strand, the complement: TTC21B is on the minus strand). VCF-style: chr2-165924638-C-T. GRCh37 (hg19) VCF-style: chr2-166781148-C-T.
Other names: c.1427G>A (NM_024753.4); short protein forms R476H.
Identifiers: ClinVar variation 1377576 (VCV001377576.9), dbSNP rs767963660, ClinGen allele CA1942128.